The following is an entry in ClinVar:

ClinVar aggregate classification (germline): Likely benign. Review status: criteria provided, multiple submitters, no conflicts (2 of 4 stars). 3 submissions from 3 submitters: Likely benign (2). 1 of the submissions does not count toward it. Last evaluated 2026-05-01.

Conditions:
ACACA-related disorder. Also called: ACACA-related condition.

Allele frequency attached by ClinVar (database versions not stated): gnomAD 0.00001; gnomAD exomes 0.00002; ExAC 0.00003; TOPMed 0.00004.
gnomAD v4.1: 37 of 1,614,032 alleles (0.0023%); highest among the groups gnomAD compares: East Asian, 0.016%; no homozygotes.

Submissions (3):

CeGaT Center for Human Genetics Tuebingen
Classification: Likely benign. Last evaluated: 2026-05-01. Review status: criteria provided, single submitter. Criteria: CeGaT Center For Human Genetics Tuebingen Variant Classification Criteria Version 2. Collection method: clinical testing. Allele origin: germline. Affected: yes. Observed: 1 variant allele.
Comment: ACACA: BP4, BP7

Labcorp Genetics (formerly Invitae), Labcorp
Classification: Likely benign. Last evaluated: 2024-10-09. Review status: criteria provided, single submitter. Criteria: Invitae Variant Classification Sherloc (09022015). Collection method: clinical testing. Allele origin: germline.

PreventionGenetics, part of Exact Sciences
Classification: Likely benign for ACACA-related condition. Last evaluated: 2019-04-15. Review status: no assertion criteria provided. Collection method: clinical testing. Allele origin: germline. Not counted in ClinVar's aggregate classification.
Comment: This variant is classified as likely benign based on ACMG/AMP sequence variant interpretation guidelines (Richards et al. 2015 PMID: 25741868, with internal and published modifications).

NM_198834.3(ACACA):c.5574G>A (p.Thr1858=)

Gene: ACACA (acetyl-CoA carboxylase alpha; minus strand). Cytogenetic location: 17q12.
Variant type: single nucleotide variant.
Coding change: c.5574G>A on transcript NM_198834.3 (MANE Select); coding-DNA position 5574, G replaced by A.
Protein change: p.Thr1858=; no amino-acid change (threonine 1858 retained).
Molecular consequence: synonymous variant.
Genome position (GRCh38, 1-based): chr17:37,149,969, C>T on the plus strand (G>A on the coding strand, the complement: ACACA is on the minus strand). VCF-style: chr17-37149969-C-T. GRCh37 (hg19) VCF-style: chr17-35506893-C-T.
Other names: c.5463G>A, p.Thr1821= (NM_198836.3, NM_198839.3); c.5289G>A, p.Thr1763= (NM_198837.2); c.5229G>A, p.Thr1743= (NM_198838.2).
Identifiers: ClinVar variation 3047451 (VCV003047451.6), dbSNP rs777992403, ClinGen allele CA8514823.